The following is an entry in ClinVar:

NM_006739.4(MCM5):c.526C>T (p.Arg176Cys)

Gene: MCM5 (minichromosome maintenance complex component 5; plus strand). Cytogenetic location: 22q12.3.
Variant type: single nucleotide variant.
Coding change: c.526C>T on transcript NM_006739.4 (MANE Select); coding-DNA position 526, C replaced by T.
Protein change: p.Arg176Cys; replaces arginine 176 with cysteine.
Molecular consequence: missense variant.
Genome position (GRCh38, 1-based): chr22:35,406,655, C>T. VCF-style: chr22-35406655-C-T. GRCh37 (hg19) VCF-style: chr22-35802648-C-T.
Other names: c.526C>T (NM_006739.3); short protein forms R176C.
Identifiers: ClinVar variation 1380664 (VCV001380664.8), dbSNP rs374503051, ClinGen allele CA10205059.

ClinVar aggregate classification (germline): Uncertain significance. Review status: criteria provided, multiple submitters, no conflicts (2 of 4 stars). 2 submissions from 2 submitters: Uncertain significance (2). Last evaluated 2025-11-01.

Allele frequency attached by ClinVar (database versions not stated): gnomAD 0.00006 and 0.00007; ESP Exome Variant Server 0.00008; gnomAD exomes 0.00008 and 0.00011; ExAC 0.00011; TOPMed 0.00011.
gnomAD v4.1: 123 of 1,612,324 alleles (0.0076%); highest among the groups gnomAD compares: Admixed American, 0.017%; no homozygotes.

Submissions (2):

Labcorp Genetics (formerly Invitae), Labcorp
Classification: Uncertain significance. Last evaluated: 2025-11-01. Review status: criteria provided, single submitter. Criteria: Invitae Variant Classification Sherloc (09022015). Collection method: clinical testing. Allele origin: germline.
Comment: This sequence change replaces arginine, which is basic and polar, with cysteine, which is neutral and slightly polar, at codon 176 of the MCM5 protein (p.Arg176Cys). This variant is present in population databases (rs374503051, gnomAD 0.02%). This variant has not been reported in the literature in individuals affected with MCM5-related conditions. ClinVar contains an entry for this variant (Variation ID: 1380664). Invitae Evidence Modeling of protein sequence and biophysical properties (such as structural, functional, and spatial information, amino acid conservation, physicochemical variation, residue mobility, and thermodynamic stability) indicates that this missense variant is expected to disrupt MCM5 protein function with a positive predictive value of 80%. In summary, the available evidence is currently insufficient to determine the role of this variant in disease. Therefore, it has been classified as a Variant of Uncertain Significance.

Ambry Genetics
Classification: Uncertain significance. Last evaluated: 2025-10-23. Review status: criteria provided, single submitter. Criteria: Ambry Variant Classification Scheme 2023. Collection method: clinical testing. Allele origin: germline.